The following is an entry in ClinVar:

ClinVar aggregate classification (germline): Uncertain significance (1 of 4 stars; one submission).

Conditions:
Inborn genetic diseases. Identifiers: MedGen C0950123, MeSH D030342.

Submission:

Ambry Genetics
Classification: Uncertain significance for Inborn genetic diseases. Last evaluated: 2025-11-24. Review status: criteria provided, single submitter. Criteria: Ambry Variant Classification Scheme 2023. Collection method: clinical testing. Allele origin: germline.
Comment: The p.R144S variant (also known as c.430C>A), located in coding exon 3 of the USB1 gene, results from a C to A substitution at nucleotide position 430. The arginine at codon 144 is replaced by serine, an amino acid with dissimilar properties. This amino acid position is conserved. In addition, this alteration is predicted to be tolerated by in silico analysis. Based on the available evidence, the clinical significance of this variant remains unclear.

NM_024598.4(USB1):c.430C>A (p.Arg144Ser)

Gene: USB1 (U6 snRNA biogenesis phosphodiesterase 1; plus strand). Cytogenetic location: 16q21.
Variant type: single nucleotide variant.
Coding change: c.430C>A on transcript NM_024598.4 (MANE Select); coding-DNA position 430, C replaced by A.
Protein change: p.Arg144Ser; replaces arginine 144 with serine.
Molecular consequence: missense variant.
Genome position (GRCh38, 1-based): chr16:58,010,093, C>A. VCF-style: chr16-58010093-C-A. GRCh37 (hg19) VCF-style: chr16-58043997-C-A.
Other names: c.430C>A, p.Arg144Ser (NM_001195302.2, NM_001204911.2, NM_001330569.2); c.277C>A, p.Arg93Ser (NM_001330568.2); short protein forms R93S, R144S.
Identifiers: ClinVar variation 4634215 (VCV004634215.1).
Genomic context (GRCh38, chr16:58,010,093, plus strand): 5'-TCCCAGAGTGTGGTTCTGCGCCACCACTGGATCCTCCCCTTCGTGCAGGCTCTGAAAGCC[C>A]GTATGACCTCCTTCCACAGGTGAGTGCTTCTTCCCTCTGCCTCTCCACTCCCTCCCCTCC-3'
Protein context (NP_078874.2, residues 134-154): ILPFVQALKA[Arg144Ser]MTSFHRFFFT